The following is an entry in ClinVar:

NM_001170629.2(CHD8):c.6436C>G (p.Gln2146Glu)

Gene: CHD8 (chromodomain helicase DNA binding protein 8; minus strand). Cytogenetic location: 14q11.2.
Variant type: single nucleotide variant.
Coding change: c.6436C>G on transcript NM_001170629.2 (MANE Select); coding-DNA position 6436, C replaced by G.
Protein change: p.Gln2146Glu; replaces glutamine 2146 with glutamic acid.
Molecular consequence: missense variant.
Genome position (GRCh38, 1-based): chr14:21,393,138, G>C on the plus strand (C>G on the coding strand, the complement: CHD8 is on the minus strand). VCF-style: chr14-21393138-G-C. GRCh37 (hg19) VCF-style: chr14-21861297-G-C.
Other names: c.5599C>G, p.Gln1867Glu (NM_020920.4); short protein forms Q2146E, Q1867E.
Identifiers: ClinVar variation 4770983 (VCV004770983.1).
Genomic context (GRCh38, chr14:21,393,138, plus strand): 5'-CATGTCCAGGGATGAGGCTGTTTGTTACCTTGGGCCACTCAGAGGCTCTTTGTCTTTCCT[G>C]CAGTAGCAGAAGCTCAGGGGTCATTTGTTCTCCATCTTCATTTGGGAATCCATCTTGGGA-3'
Protein context (NP_001164100.1, residues 2136-2156): EQMTPELLLL[Gln2146Glu]ERQRASEWPK

ClinVar aggregate classification (germline): Uncertain significance (1 of 4 stars; one submission).

gnomAD v4.1: 1 of 1,613,890 alleles (0.000062%); highest among the groups gnomAD compares: South Asian, 0.0011%; no homozygotes.

Submission:

Labcorp Genetics (formerly Invitae), Labcorp
Classification: Uncertain significance. Last evaluated: 2026-01-28. Review status: criteria provided, single submitter. Criteria: Invitae Variant Classification Sherloc (09022015). Collection method: clinical testing. Allele origin: germline.
Comment: This sequence change replaces glutamine, which is neutral and polar, with glutamic acid, which is acidic and polar, at codon 2146 of the CHD8 protein (p.Gln2146Glu). This variant is not present in population databases (gnomAD no frequency). This variant has not been reported in the literature in individuals affected with CHD8-related conditions. Invitae Evidence Modeling of protein sequence and biophysical properties (such as structural, functional, and spatial information, amino acid conservation, physicochemical variation, residue mobility, and thermodynamic stability) indicates that this missense variant is not expected to disrupt CHD8 protein function with a negative predictive value of 95%. In summary, the available evidence is currently insufficient to determine the role of this variant in disease. Therefore, it has been classified as a Variant of Uncertain Significance.